The following is an entry in ClinVar:

NM_013432.5(TONSL):c.1858C>T (p.Arg620Trp)

Genes: TONSL (tonsoku like, DNA repair protein; minus strand), TONSL-AS1 (TONSL antisense RNA 1; plus strand). Cytogenetic location: 8q24.3.
Variant type: single nucleotide variant.
Coding change: c.1858C>T on transcript NM_013432.5 (MANE Select); coding-DNA position 1858, C replaced by T.
Protein change: p.Arg620Trp; replaces arginine 620 with tryptophan.
Molecular consequence: missense variant. On other transcripts: non-coding transcript variant (1).
Genome position (GRCh38, 1-based): chr8:144,436,789, G>A on the plus strand (C>T on the coding strand, the complement: TONSL is on the minus strand). VCF-style: chr8-144436789-G-A. GRCh37 (hg19) VCF-style: chr8-145662172-G-A.
Other names: c.1858C>T (NM_013432.4); short protein forms R620W.
Identifiers: ClinVar variation 3609586 (VCV003609586.3).
Genomic context (GRCh38, chr8:144,436,789, plus strand): 5'-CCCTTGCCCTCTGCCCCACCAGGCTCACCTTTCGAGTGCGGAGGGTGACGGACGCCCCCC[G>A]TTCAAGCAGCAGCTCAGCCACCTCGAAGTGGCCACAGTTGAGGGCATCGTGGAGGGGGGT-3'
Protein context (NP_038460.4, residues 610-630): HFEVAELLLE[Arg620Trp]GASVTLRTRK

ClinVar aggregate classification (germline): Uncertain significance. Review status: criteria provided, multiple submitters, no conflicts (2 of 4 stars). 2 submissions from 2 submitters: Uncertain significance (2). Last evaluated 2025-08-07.

Conditions:
Inborn genetic diseases. Identifiers: MedGen C0950123, MeSH D030342.

gnomAD v4.1: 35 of 1,611,260 alleles (0.0022%); highest among the groups gnomAD compares: Middle Eastern, 0.033%; no homozygotes.

Submissions (2):

Ambry Genetics
Classification: Uncertain significance for Inborn genetic diseases. Last evaluated: 2025-08-07. Review status: criteria provided, single submitter. Criteria: Ambry Variant Classification Scheme 2023. Collection method: clinical testing. Allele origin: germline.

Labcorp Genetics (formerly Invitae), Labcorp
Classification: Uncertain significance. Last evaluated: 2024-10-25. Review status: criteria provided, single submitter. Criteria: Invitae Variant Classification Sherloc (09022015). Collection method: clinical testing. Allele origin: germline.
Comment: This sequence change replaces arginine, which is basic and polar, with tryptophan, which is neutral and slightly polar, at codon 620 of the TONSL protein (p.Arg620Trp). This variant is present in population databases (no rsID available, gnomAD 0.02%). This variant has not been reported in the literature in individuals affected with TONSL-related conditions. Invitae Evidence Modeling of protein sequence and biophysical properties (such as structural, functional, and spatial information, amino acid conservation, physicochemical variation, residue mobility, and thermodynamic stability) indicates that this missense variant is expected to disrupt TONSL protein function with a positive predictive value of 80%. In summary, the available evidence is currently insufficient to determine the role of this variant in disease. Therefore, it has been classified as a Variant of Uncertain Significance.